The following is an entry in ClinVar:

ClinVar aggregate classification (germline): Conflicting classifications of pathogenicity. Review status: criteria provided, conflicting classifications (1 of 4 stars). 6 submissions from 4 submitters: Uncertain significance (1); Benign (3); Likely benign (2). Last evaluated 2025-12-29.

Conditions:
Pallister-Hall syndrome (PHS). Also called: HYPOTHALAMIC HAMARTOBLASTOMA, HYPOPITUITARISM, IMPERFORATE ANUS, AND POSTAXIAL POLYDACTYLY; GLI3-Related Pallister-Hall Syndrome. Identifiers: Orphanet 672, MedGen C0265220, MONDO:0007804, OMIM 146510.
Greig cephalopolysyndactyly syndrome (GCPS). Also called: Greig syndrome; GLI3-Related Greig Cephalopolysyndactyly Syndrome; POLYSYNDACTYLY WITH PECULIAR SKULL SHAPE. Identifiers: Orphanet 380, MedGen C0265306, MONDO:0008287, OMIM 175700.
Polydactyly. Also called: polydactylism. Identifiers: MedGen C0152427, MONDO:0021003, OMIM 603596, HP:0010442.

Allele frequency attached by ClinVar (database versions not stated): 1000 Genomes Project 30x 0.00031; ESP Exome Variant Server 0.00031; 1000 Genomes Project 0.00040; ExAC 0.00040; gnomAD exomes 0.00042 and 0.00079; gnomAD 0.00046; TOPMed 0.00047.
gnomAD v4.1: 1,200 of 1,613,630 alleles (0.074%); highest among the groups gnomAD compares: Non-Finnish European, 0.093%; no homozygotes.

Submissions (6):

Labcorp Genetics (formerly Invitae), Labcorp
Classification: Likely benign for Pallister-Hall syndrome; Greig cephalopolysyndactyly syndrome. Last evaluated: 2025-12-29. Review status: criteria provided, single submitter. Criteria: Invitae Variant Classification Sherloc (09022015). Collection method: clinical testing. Allele origin: germline.

Blueprint Genetics
Classification: Likely benign. Last evaluated: 2024-09-23. Review status: criteria provided, single submitter. Criteria: ACMG Guidelines, 2015. Collection method: clinical testing. Allele origin: germline.

Illumina Laboratory Services, Illumina
Classification: Benign for Greig cephalopolysyndactyly syndrome. Last evaluated: 2018-01-13. Review status: criteria provided, single submitter. Criteria: ICSL Variant Classification Criteria 13 December 2019. Collection method: clinical testing. Allele origin: germline.
Comment: This variant was observed in the ICSL laboratory as part of a predisposition screen in an ostensibly healthy population. It had not been previously curated by ICSL or reported in the Human Gene Mutation Database (HGMD: prior to June 1st, 2018), and was therefore a candidate for classification through an automated scoring system. Utilizing variant allele frequency, disease prevalence and penetrance estimates, and inheritance mode, an automated score was calculated to assess if this variant is too frequent to cause the disease. Based on the score and internal cut-off values, a variant classified as benign is not then subjected to further curation. The score for this variant resulted in a classification of benign for this disease.

Illumina Laboratory Services, Illumina
Classification: Benign for Pallister-Hall syndrome. Last evaluated: 2018-01-13. Review status: criteria provided, single submitter. Criteria: ICSL Variant Classification Criteria 13 December 2019. Collection method: clinical testing. Allele origin: germline.
Comment: the same text as in the submission from Illumina Laboratory Services, Illumina above.

Illumina Laboratory Services, Illumina
Classification: Benign for Polydactyly. Last evaluated: 2018-01-13. Review status: criteria provided, single submitter. Criteria: ICSL Variant Classification Criteria 13 December 2019. Collection method: clinical testing. Allele origin: germline.
Comment: the same text as in the submission from Illumina Laboratory Services, Illumina above.

Eurofins Ntd Llc (ga)
Classification: Uncertain significance. Last evaluated: 2016-08-19. Review status: criteria provided, single submitter. Criteria: EGL Classification Definitions 2015. Collection method: clinical testing. Allele origin: germline. Observed: 1 variant allele, 1 heterozygote.

NM_000168.6(GLI3):c.1959G>A (p.Pro653=)

Gene: GLI3 (GLI family zinc finger 3; minus strand). Cytogenetic location: 7p14.1.
Variant type: single nucleotide variant.
Coding change: c.1959G>A on transcript NM_000168.6 (MANE Select); coding-DNA position 1959, G replaced by A.
Protein change: p.Pro653=; no amino-acid change (proline 653 retained).
Molecular consequence: synonymous variant.
Genome position (GRCh38, 1-based): chr7:41,972,481, C>T on the plus strand (G>A on the coding strand, the complement: GLI3 is on the minus strand). VCF-style: chr7-41972481-C-T. GRCh37 (hg19) VCF-style: chr7-42012080-C-T.
Identifiers: ClinVar variation 289071 (VCV000289071.19), dbSNP rs148226583, ClinGen allele CA4230722.